The following is an entry in ClinVar:

ClinVar aggregate classification (germline): Uncertain significance. Review status: criteria provided, multiple submitters, no conflicts (2 of 4 stars). 2 submissions from 2 submitters: Uncertain significance (2). Last evaluated 2024-08-20.

Conditions:
Inborn genetic diseases. Identifiers: MedGen C0950123, MeSH D030342.

gnomAD v4.1: 19 of 1,209,789 alleles (0.0016%); highest among the groups gnomAD compares: Non-Finnish European, 0.002%; no homozygotes.

Submissions (2):

Ambry Genetics
Classification: Uncertain significance for Inborn genetic diseases. Last evaluated: 2024-08-20. Review status: criteria provided, single submitter. Criteria: Ambry Variant Classification Scheme 2023. Collection method: clinical testing. Allele origin: germline.

Labcorp Genetics (formerly Invitae), Labcorp
Classification: Uncertain significance. Last evaluated: 2024-05-06. Review status: criteria provided, single submitter. Criteria: Invitae Variant Classification Sherloc (09022015). Collection method: clinical testing. Allele origin: germline.
Comment: This sequence change replaces glutamine, which is neutral and polar, with histidine, which is basic and polar, at codon 845 of the BRWD3 protein (p.Gln845His). This variant is not present in population databases (gnomAD no frequency). This variant has not been reported in the literature in individuals affected with BRWD3-related conditions. Advanced modeling of protein sequence and biophysical properties (such as structural, functional, and spatial information, amino acid conservation, physicochemical variation, residue mobility, and thermodynamic stability) performed at Invitae indicates that this missense variant is not expected to disrupt BRWD3 protein function with a negative predictive value of 80%. In summary, the available evidence is currently insufficient to determine the role of this variant in disease. Therefore, it has been classified as a Variant of Uncertain Significance.

NM_153252.5(BRWD3):c.2535A>T (p.Gln845His)

Gene: BRWD3 (bromodomain and WD repeat domain containing 3; minus strand). Cytogenetic location: Xq21.1.
Variant type: single nucleotide variant.
Coding change: c.2535A>T on transcript NM_153252.5 (MANE Select); coding-DNA position 2535, A replaced by T.
Protein change: p.Gln845His; replaces glutamine 845 with histidine.
Molecular consequence: missense variant.
Genome position (GRCh38, 1-based): chrX:80,707,444, T>A on the plus strand (A>T on the coding strand, the complement: BRWD3 is on the minus strand). VCF-style: chrX-80707444-T-A. GRCh37 (hg19) VCF-style: chrX-79962943-T-A.
Other names: c.2535A>T (NM_153252.4); short protein forms Q845H.
Identifiers: ClinVar variation 2889183 (VCV002889183.4), dbSNP rs145526845, ClinGen allele CA413628937.